The following is an entry in ClinVar:

NM_004281.4(BAG3):c.700C>T (p.Pro234Ser)

Gene: BAG3 (BAG cochaperone 3; plus strand). Cytogenetic location: 10q26.11.
Variant type: single nucleotide variant.
Coding change: c.700C>T on transcript NM_004281.4 (MANE Select); coding-DNA position 700, C replaced by T.
Protein change: p.Pro234Ser; replaces proline 234 with serine.
Molecular consequence: missense variant.
Genome position (GRCh38, 1-based): chr10:119,672,447, C>T. VCF-style: chr10-119672447-C-T. GRCh37 (hg19) VCF-style: chr10-121431959-C-T.
Other names: short protein forms P234S.
Identifiers: ClinVar variation 4791641 (VCV004791641.1).

ClinVar aggregate classification (germline): Uncertain significance (1 of 4 stars; one submission).

Conditions:
Dilated cardiomyopathy 1HH (CMD1HH). Identifiers: Orphanet 154, MedGen C3151293, MONDO:0013479, OMIM 613881.
Myofibrillar myopathy 6. Identifiers: Orphanet 199340, MedGen C2751831, MONDO:0013061, OMIM 612954.

Submission:

Labcorp Genetics (formerly Invitae), Labcorp
Classification: Uncertain significance for Dilated cardiomyopathy 1HH; Myofibrillar myopathy 6. Last evaluated: 2025-10-21. Review status: criteria provided, single submitter. Criteria: Invitae Variant Classification Sherloc (09022015). Collection method: clinical testing. Allele origin: germline.
Comment: This sequence change replaces proline, which is neutral and non-polar, with serine, which is neutral and polar, at codon 234 of the BAG3 protein (p.Pro234Ser). This variant is not present in population databases (gnomAD no frequency). This variant has not been reported in the literature in individuals affected with BAG3-related conditions. Invitae Evidence Modeling of protein sequence and biophysical properties (such as structural, functional, and spatial information, amino acid conservation, physicochemical variation, residue mobility, and thermodynamic stability) indicates that this missense variant is not expected to disrupt BAG3 protein function with a negative predictive value of 80%. In summary, the available evidence is currently insufficient to determine the role of this variant in disease. Therefore, it has been classified as a Variant of Uncertain Significance.